The following is an entry in ClinVar:

NM_001963.6(EGF):c.3458A>G (p.Asp1153Gly)

Gene: EGF (epidermal growth factor; plus strand). Cytogenetic location: 4q25.
Variant type: single nucleotide variant.
Coding change: c.3458A>G on transcript NM_001963.6 (MANE Select); coding-DNA position 3458, A replaced by G.
Protein change: p.Asp1153Gly; replaces aspartic acid 1153 with glycine.
Molecular consequence: missense variant.
Genome position (GRCh38, 1-based): chr4:110,011,289, A>G. VCF-style: chr4-110011289-A-G. GRCh37 (hg19) VCF-style: chr4-110932445-A-G.
Other names: c.3335A>G, p.Asp1112Gly (NM_001178130.3); c.3332A>G, p.Asp1111Gly (NM_001178131.3); c.3010A>G, p.Ile1004Val (NM_001357021.2); short protein forms D1111G, D1112G, D1153G, I1004V.
Identifiers: ClinVar variation 2101169 (VCV002101169.4), dbSNP rs1300453421, ClinGen allele CA357875578.

ClinVar aggregate classification (germline): Uncertain significance (1 of 4 stars; one submission).

Allele frequency attached by ClinVar (database versions not stated): gnomAD exomes 0.00001.
gnomAD v4.1: 17 of 1,614,036 alleles (0.0011%); highest among the groups gnomAD compares: Non-Finnish European, 0.0014%; no homozygotes.

Submission:

Labcorp Genetics (formerly Invitae), Labcorp
Classification: Uncertain significance. Last evaluated: 2022-02-21. Review status: criteria provided, single submitter. Criteria: Invitae Variant Classification Sherloc (09022015). Collection method: clinical testing. Allele origin: germline.
Comment: In summary, the available evidence is currently insufficient to determine the role of this variant in disease. Therefore, it has been classified as a Variant of Uncertain Significance. Algorithms developed to predict the effect of missense changes on protein structure and function output the following: SIFT: "Not Available"; PolyPhen-2: "Benign"; Align-GVGD: "Not Available". The glycine amino acid residue is found in multiple mammalian species, which suggests that this missense change does not adversely affect protein function. This variant has not been reported in the literature in individuals affected with EGF-related conditions. This variant is present in population databases (no rsID available, gnomAD 0.007%). This sequence change replaces aspartic acid, which is acidic and polar, with glycine, which is neutral and non-polar, at codon 1153 of the EGF protein (p.Asp1153Gly).